The following is an entry in ClinVar:

NM_020778.5(ALPK3):c.304+155C>G

Gene: ALPK3 (alpha kinase 3; plus strand). Cytogenetic location: 15q25.3.
Variant type: single nucleotide variant.
Coding change: c.304+155C>G on transcript NM_020778.5 (MANE Select); 155 bases into the intron after coding-DNA position 304, C replaced by G.
Molecular consequence: intron variant.
Genome position (GRCh38, 1-based): chr15:84,827,760, C>G. VCF-style: chr15-84827760-C-G. GRCh37 (hg19) VCF-style: chr15-85370991-C-G.
Identifiers: ClinVar variation 678536 (VCV000678536.1), dbSNP rs115838012, ClinGen allele CA14203504.

ClinVar aggregate classification (germline): Likely benign (1 of 4 stars; one submission).

Allele frequency attached by ClinVar (database versions not stated): gnomAD 0.01315 and 0.01349; 1000 Genomes Project 0.01338; 1000 Genomes Project 30x 0.01452; TOPMed 0.01509.
gnomAD v4.1: 2,002 of 152,292 alleles (1.3%); highest among the groups gnomAD compares: African/African-American, 2.6%; 19 homozygotes.

Submission:

GeneDx
Classification: Likely benign. Last evaluated: 2018-06-16. Review status: criteria provided, single submitter. Criteria: GeneDx Variant Classification (06012015). Collection method: clinical testing. Allele origin: germline. Affected: yes.
Comment: This variant is considered likely benign or benign based on one or more of the following criteria: it is a conservative change, it occurs at a poorly conserved position in the protein, it is predicted to be benign by multiple in silico algorithms, and/or has population frequency not consistent with disease.